The following is an entry in ClinVar:

NM_001348323.3(TRIP12):c.3069G>A (p.Thr1023=)

Gene: TRIP12 (thyroid hormone receptor interactor 12; minus strand). Cytogenetic location: 2q36.3.
Variant type: single nucleotide variant.
Coding change: c.3069G>A on transcript NM_001348323.3 (MANE Select); coding-DNA position 3069, G replaced by A.
Protein change: p.Thr1023=; no amino-acid change (threonine 1023 retained).
Molecular consequence: synonymous variant.
Genome position (GRCh38, 1-based): chr2:229,802,389, C>T on the plus strand (G>A on the coding strand, the complement: TRIP12 is on the minus strand). VCF-style: chr2-229802389-C-T. GRCh37 (hg19) VCF-style: chr2-230667105-C-T.
Other names: c.2988G>A, p.Thr996= (NM_001284214.2, NM_001348315.2); c.2943G>A, p.Thr981= (NM_001284215.2, NM_001348316.2, NM_001348317.1 and 1 more transcripts); c.2034G>A, p.Thr678= (NM_001284216.2); c.3069G>A, p.Thr1023= (NM_001348319.1, NM_001348320.2, NM_001348322.1 and 4 more transcripts); c.3072G>A, p.Thr1024= (NM_001348321.1, NM_001348328.1, NM_001348329.2 and 1 more transcripts); c.2862G>A, p.Thr954= (NM_001348331.1); c.2982G>A, p.Thr994= (NM_001348332.1); c.2991G>A, p.Thr997= (NM_001348333.1); and 2 more.
Identifiers: ClinVar variation 3770885 (VCV003770885.14).
Genomic context (GRCh38, chr2:229,802,389, plus strand): 5'-GGCAGCTGTGGCTGTCCCACTGCTGACTGAAGTTGTGGATCCCATGGATCCCGATCCATT[C>T]GTACATGCCTTTGGTGGACTTGTCAACAAAGACTCTGATTCTGCTAAGTGTTTTACTTGA-3'
Protein context (NP_001335252.1, residues 1013-1033): SLLTSPPKAC[Thr1023=]NGSGSMGSTT

ClinVar aggregate classification (germline): Likely benign. Review status: criteria provided, multiple submitters, no conflicts (2 of 4 stars). 2 submissions from 2 submitters: Likely benign (2). Last evaluated 2026-04-01.

Conditions:
TRIP12-related disorder. Also called: TRIP12-related condition.

gnomAD v4.1: 111 of 1,614,010 alleles (0.0069%); highest among the groups gnomAD compares: African/African-American, 0.12%; no homozygotes.

Submissions (2):

CeGaT Center for Human Genetics Tuebingen
Classification: Likely benign. Last evaluated: 2026-04-01. Review status: criteria provided, single submitter. Criteria: CeGaT Center For Human Genetics Tuebingen Variant Classification Criteria Version 2. Collection method: clinical testing. Allele origin: germline. Affected: yes. Observed: 2 variant alleles.
Comment: TRIP12: BP4, BP7

PreventionGenetics, part of Exact Sciences
Classification: Likely benign for TRIP12-related condition. Last evaluated: 2025-09-09. Review status: criteria provided, single submitter. Criteria: ACMG Guidelines, 2015. Collection method: clinical testing. Allele origin: germline.
Comment: This variant is classified as likely benign based on ACMG/AMP sequence variant interpretation guidelines (Richards et al. 2015 PMID: 25741868, with internal and published modifications).